The following is an entry in ClinVar:

NM_015404.4(WHRN):c.1930G>A (p.Asp644Asn)

Gene: WHRN (whirlin; minus strand). Cytogenetic location: 9q32.
Variant type: single nucleotide variant.
Coding change: c.1930G>A on transcript NM_015404.4 (MANE Select); coding-DNA position 1930, G replaced by A.
Protein change: p.Asp644Asn; replaces aspartic acid 644 with asparagine.
Molecular consequence: missense variant.
Genome position (GRCh38, 1-based): chr9:114,406,661, C>T on the plus strand (G>A on the coding strand, the complement: WHRN is on the minus strand). VCF-style: chr9-114406661-C-T. GRCh37 (hg19) VCF-style: chr9-117168941-C-T.
Other names: c.781G>A, p.Asp261Asn (NM_001083885.3); c.1930G>A, p.Asp644Asn (NM_001173425.2); c.877G>A, p.Asp293Asn (NM_001346890.1); short protein forms D261N, D293N, D644N.
Identifiers: ClinVar variation 845616 (VCV000845616.5), dbSNP rs201707482, ClinGen allele CA374620636.
Genomic context (GRCh38, chr9:114,406,661, plus strand): 5'-GCCTCTTGGAGCTGGGGTTGGCAGGGGAGACGGAGGCATAGATGGGGGAAGAGGGCAAGT[C>T]CTGTGCAGAGGAGGTCCCTGGGGTGGGTGCGGTGCCCGCTGGCGGGCTGCGGTTCTGTGG-3'
Protein context (NP_056219.3, residues 634-654): APTPGTSSAQ[Asp644Asn]LPSSPIYASV

ClinVar aggregate classification (germline): Uncertain significance (1 of 4 stars; one submission).

Allele frequency attached by ClinVar (database versions not stated): TOPMed 0.00002.
gnomAD v4.1: 63 of 1,613,716 alleles (0.0039%); highest among the groups gnomAD compares: Admixed American, 0.0083%; no homozygotes.

Submission:

Labcorp Genetics (formerly Invitae), Labcorp
Classification: Uncertain significance. Last evaluated: 2022-07-19. Review status: criteria provided, single submitter. Criteria: Invitae Variant Classification Sherloc (09022015). Collection method: clinical testing. Allele origin: germline.
Comment: This sequence change replaces aspartic acid, which is acidic and polar, with asparagine, which is neutral and polar, at codon 644 of the WHRN protein (p.Asp644Asn). This variant is present in population databases (no rsID available, gnomAD 0.002%). This variant has not been reported in the literature in individuals affected with WHRN-related conditions. ClinVar contains an entry for this variant (Variation ID: 845616). Algorithms developed to predict the effect of missense changes on protein structure and function (SIFT, PolyPhen-2, Align-GVGD) all suggest that this variant is likely to be tolerated. In summary, the available evidence is currently insufficient to determine the role of this variant in disease. Therefore, it has been classified as a Variant of Uncertain Significance.